The following is an entry in ClinVar:

ClinVar aggregate classification (germline): Uncertain significance (1 of 4 stars; one submission).

Conditions:
Paroxysmal nonkinesigenic dyskinesia. Also called: Paroxysmal non-kinesigenic dyskinesia. Identifiers: Orphanet 98810, MedGen C1869117, MONDO:0700088.

Allele frequency attached by ClinVar (database versions not stated): gnomAD 0.00001; TOPMed 0.00001; gnomAD exomes 0.00003.
gnomAD v4.1: 16 of 1,610,598 alleles (0.00099%); highest among the groups gnomAD compares: East Asian, 0.036%; no homozygotes.

Submission:

Labcorp Genetics (formerly Invitae), Labcorp
Classification: Uncertain significance for Paroxysmal nonkinesigenic dyskinesia. Last evaluated: 2024-05-13. Review status: criteria provided, single submitter. Criteria: Invitae Variant Classification Sherloc (09022015). Collection method: clinical testing. Allele origin: germline.
Comment: This sequence change replaces tyrosine, which is neutral and polar, with phenylalanine, which is neutral and non-polar, at codon 104 of the PNKD protein (p.Tyr104Phe). This variant is present in population databases (rs773907885, gnomAD 0.05%). This variant has not been reported in the literature in individuals affected with PNKD-related conditions. ClinVar contains an entry for this variant (Variation ID: 2151298). Advanced modeling of protein sequence and biophysical properties (such as structural, functional, and spatial information, amino acid conservation, physicochemical variation, residue mobility, and thermodynamic stability) performed at Invitae indicates that this missense variant is not expected to disrupt PNKD protein function with a negative predictive value of 80%. In summary, the available evidence is currently insufficient to determine the role of this variant in disease. Therefore, it has been classified as a Variant of Uncertain Significance.

NM_015488.5(PNKD):c.311A>T (p.Tyr104Phe)

Genes: CATIP-AS2 (CATIP antisense RNA 2; minus strand), PNKD (PNKD metallo-beta-lactamase domain containing; plus strand). Cytogenetic location: 2q35.
Variant type: single nucleotide variant.
Coding change: c.311A>T on transcript NM_015488.5 (MANE Select); coding-DNA position 311, A replaced by T.
Protein change: p.Tyr104Phe; replaces tyrosine 104 with phenylalanine.
Molecular consequence: missense variant.
Genome position (GRCh38, 1-based): chr2:218,339,857, A>T. VCF-style: chr2-218339857-A-T. GRCh37 (hg19) VCF-style: chr2-219204580-A-T.
Other names: c.239A>T, p.Tyr80Phe (NM_022572.5); short protein forms Y80F, Y104F.
Identifiers: ClinVar variation 2151298 (VCV002151298.4), dbSNP rs773907885, ClinGen allele CA2103892.
Genomic context (GRCh38, chr2:218,339,857, plus strand): 5'-CCCGCACCTGGCTCGGGTACCTCTTCTACCGACAGCAGCTGCGCAGGGCTCGGAATCGCT[A>T]CCCTAAAGGCCACTCGAAAACCCAGCCCCGCCTCTTCAATGGTGAGCTCTGACTGCCCCG-3'
Protein context (NP_056303.3, residues 94-114): RQQLRRARNR[Tyr104Phe]PKGHSKTQPR